The following is an entry in ClinVar:

NM_017909.4(RMND1):c.977T>C (p.Ile326Thr)

Gene: RMND1 (required for meiotic nuclear division 1 homolog; minus strand). Cytogenetic location: 6q25.1.
Variant type: single nucleotide variant.
Coding change: c.977T>C on transcript NM_017909.4 (MANE Select); coding-DNA position 977, T replaced by C.
Protein change: p.Ile326Thr; replaces isoleucine 326 with threonine.
Molecular consequence: missense variant.
Genome position (GRCh38, 1-based): chr6:151,422,566, A>G on the plus strand (T>C on the coding strand, the complement: RMND1 is on the minus strand). VCF-style: chr6-151422566-A-G. GRCh37 (hg19) VCF-style: chr6-151743701-A-G.
Other names: c.467T>C, p.Ile156Thr (NM_001271937.2); short protein forms I156T, I326T.
Identifiers: ClinVar variation 4810367 (VCV004810367.1).

ClinVar aggregate classification (germline): Uncertain significance (1 of 4 stars; one submission).

gnomAD v4.1: 1 of 1,541,700 alleles (0.000065%); highest among the groups gnomAD compares: South Asian, 0.0012%; no homozygotes.

Submission:

Labcorp Genetics (formerly Invitae), Labcorp
Classification: Uncertain significance. Last evaluated: 2025-03-27. Review status: criteria provided, single submitter. Criteria: Invitae Variant Classification Sherloc (09022015). Collection method: clinical testing. Allele origin: germline.
Comment: This sequence change replaces isoleucine, which is neutral and non-polar, with threonine, which is neutral and polar, at codon 326 of the RMND1 protein (p.Ile326Thr). This variant is not present in population databases (gnomAD no frequency). This variant has not been reported in the literature in individuals affected with RMND1-related conditions. Invitae Evidence Modeling of protein sequence and biophysical properties (such as structural, functional, and spatial information, amino acid conservation, physicochemical variation, residue mobility, and thermodynamic stability) indicates that this missense variant is not expected to disrupt RMND1 protein function with a negative predictive value of 80%. In summary, the available evidence is currently insufficient to determine the role of this variant in disease. Therefore, it has been classified as a Variant of Uncertain Significance.